The following is an entry in ClinVar:

ClinVar aggregate classification (germline): Conflicting classifications of pathogenicity. Review status: criteria provided, conflicting classifications (1 of 4 stars). 2 submissions from 2 submitters: Likely pathogenic (1); Uncertain significance (1). Last evaluated 2022-04-12.

gnomAD v4.1: 3 of 1,549,284 alleles (0.00019%); highest among the groups gnomAD compares: Admixed American, 0.0017%; no homozygotes.

Submissions (2):

Labcorp Genetics (formerly Invitae), Labcorp
Classification: Uncertain significance. Last evaluated: 2022-04-12. Review status: criteria provided, single submitter. Criteria: Invitae Variant Classification Sherloc (09022015). Collection method: clinical testing. Allele origin: germline.
Comment: In summary, the available evidence is currently insufficient to determine the role of this variant in disease. Therefore, it has been classified as a Variant of Uncertain Significance. Algorithms developed to predict the effect of sequence changes on RNA splicing suggest that this variant may disrupt the consensus splice site. ClinVar contains an entry for this variant (Variation ID: 449458). This variant has been observed in individual(s) with Sjögren–Larsson syndrome (PMID: 24377952). This variant is present in population databases (no rsID available, gnomAD 0.004%). This sequence change falls in intron 4 of the ALDH3A2 gene. It does not directly change the encoded amino acid sequence of the ALDH3A2 protein.

GeneDx
Classification: Likely pathogenic. Last evaluated: 2017-08-31. Review status: criteria provided, single submitter. Criteria: GeneDx Variant Classification (06012015). Collection method: clinical testing. Allele origin: germline. Affected: yes.
Comment: The c.681-14 T>G splice site variant has been previously reported in association with SjÃ¶gren-Larsson syndrome (BurgueÃ±o-MontaÃ±Ã©s et al., 2014). The variant is not observed in large population cohorts (Lek et al., 2016; 1000 Genomes Consortium et al., 2015; Exome Variant Server). This variant occurs at a nucleotide that is not conserved; however, several in-silico splice prediction models predict that c.681-14 T>G reduces the strength of the splice acceptor site of intron 4. Additionally, another variant at the same nucleotide has been reported in the Human Gene Mutation Database in association with Sjoegren-Larsson syndrome (Stenson et al., 2014). In the absence of RNA/functional studies, the actual effect of this sequence change in this individual is unknown. In summary, we consider this variant to be likely pathogenic.

Literature cited by the submitters: PubMed 24377952 (cited by Labcorp Genetics (formerly Invitae), Labcorp).

NM_000382.3(ALDH3A2):c.681-14T>G

Gene: ALDH3A2 (aldehyde dehydrogenase 3 family member A2; plus strand). Cytogenetic location: 17p11.2.
Variant type: single nucleotide variant.
Coding change: c.681-14T>G on transcript NM_000382.3 (MANE Select); 14 bases into the intron before coding-DNA position 681, T replaced by G.
Molecular consequence: intron variant.
Genome position (GRCh38, 1-based): chr17:19,657,731, T>G. VCF-style: chr17-19657731-T-G. GRCh37 (hg19) VCF-style: chr17-19561044-T-G.
Other names: c.102-14T>G (NM_001369148.2); c.681-14T>G (NM_001369137.2, NM_001369138.2, NM_001369146.2 and 3 more transcripts).
Identifiers: ClinVar variation 449458 (VCV000449458.7), dbSNP rs1400349287, ClinGen allele CA625105099.